The following is an entry in ClinVar:

NM_001386795.1(DTNA):c.1028A>G (p.Asn343Ser)

Gene: DTNA (dystrobrevin alpha; plus strand). Cytogenetic location: 18q12.1.
Variant type: single nucleotide variant.
Coding change: c.1028A>G on transcript NM_001386795.1 (MANE Select); coding-DNA position 1028, A replaced by G.
Protein change: p.Asn343Ser; replaces asparagine 343 with serine.
Molecular consequence: missense variant. On other transcripts: intron variant (1).
Genome position (GRCh38, 1-based): chr18:34,827,619, A>G. VCF-style: chr18-34827619-A-G. GRCh37 (hg19) VCF-style: chr18-32407583-A-G.
Other names: c.1028A>G (NM_032978.6); c.1028A>G, p.Asn343Ser (NM_001128175.2, NM_001198938.2, NM_001198939.2 and 26 more transcripts); c.74A>G, p.Asn25Ser (NM_001198942.1, NM_001198944.1, NM_032980.4 and 1 more transcripts); c.278A>G, p.Asn93Ser (NM_001198943.1); c.1037A>G, p.Asn346Ser (NM_001386775.1, NM_001390.5, NM_001391.5 and 5 more transcripts); c.603+15506A>G (NM_001198945.2); c.1037A>G (NM_001390.4); short protein forms N346S, N93S, N25S, N343S.
Identifiers: ClinVar variation 1503005 (VCV001503005.8), dbSNP rs774372435, ClinGen allele CA297768210.
Genomic context (GRCh38, chr18:34,827,619, plus strand): 5'-TTTAACTTTCCATTCACCCTGTGTTTTGTTTTAGGCCTCCCAGACCTGTAACCAGCATGA[A>G]CGACACCCTGTTCTCCCACTCTGTTCCCTCCTCAGGAAGTCCTTTTATTACCAGGAGGTA-3'
Protein context (NP_001373724.1, residues 333-353): IVPPRPVTSM[Asn343Ser]DTLFSHSVPS

ClinVar aggregate classification (germline): Uncertain significance. Review status: criteria provided, multiple submitters, no conflicts (2 of 4 stars). 3 submissions from 3 submitters: Uncertain significance (3). Last evaluated 2025-12-22.

Conditions:
DTNA-related disorder. Also called: DTNA-related condition.
Left ventricular noncompaction 1 (LVNC1). Also called: LEFT VENTRICULAR NONCOMPACTION 1 WITH OR WITHOUT CONGENITAL HEART DEFECTS. Identifiers: Orphanet 54260, MedGen C1858725, MONDO:0011403, OMIM 604169.

gnomAD v4.1: 14 of 1,613,910 alleles (0.00087%); highest among the groups gnomAD compares: Non-Finnish European, 0.001%; no homozygotes.

Submissions (3):

Labcorp Genetics (formerly Invitae), Labcorp
Classification: Uncertain significance for Left ventricular noncompaction 1. Last evaluated: 2025-12-22. Review status: criteria provided, single submitter. Criteria: Invitae Variant Classification Sherloc (09022015). Collection method: clinical testing. Allele origin: germline.
Comment: This sequence change replaces asparagine, which is neutral and polar, with serine, which is neutral and polar, at codon 346 of the DTNA protein (p.Asn346Ser). This variant is present in population databases (no rsID available, gnomAD 0.002%). This variant has not been reported in the literature in individuals affected with DTNA-related conditions. ClinVar contains an entry for this variant (Variation ID: 1503005). Invitae Evidence Modeling of protein sequence and biophysical properties (such as structural, functional, and spatial information, amino acid conservation, physicochemical variation, residue mobility, and thermodynamic stability) indicates that this missense variant is not expected to disrupt DTNA protein function with a negative predictive value of 80%. In summary, the available evidence is currently insufficient to determine the role of this variant in disease. Therefore, it has been classified as a Variant of Uncertain Significance.

PreventionGenetics, part of Exact Sciences
Classification: Uncertain significance for DTNA-related condition. Last evaluated: 2025-10-15. Review status: criteria provided, single submitter. Criteria: ACMG Guidelines, 2015. Collection method: clinical testing. Allele origin: germline.
Comment: The DTNA c.1037A>G variant is predicted to result in the amino acid substitution p.Asn346Ser. To our knowledge, this variant has not been reported in the literature. This variant is reported in 0.0018% of alleles in individuals of European (Non-Finnish) descent in gnomAD. At this time, the clinical significance of this variant is uncertain due to the absence of conclusive functional and genetic evidence.

Ambry Genetics
Classification: Uncertain significance. Last evaluated: 2023-10-16. Review status: criteria provided, single submitter. Criteria: Ambry Variant Classification Scheme 2023. Collection method: clinical testing. Allele origin: germline.